The following is an entry in ClinVar:

ClinVar aggregate classification (germline): Benign. Review status: criteria provided, multiple submitters, no conflicts (2 of 4 stars). 6 submissions from 6 submitters: Benign (6). Last evaluated 2026-02-04.

Conditions:
Autosomal recessive nonsyndromic hearing loss 18B. Also called: Deafness, autosomal recessive 18b. Identifiers: Orphanet 90636, MedGen C3554163, MONDO:0013985, OMIM 614945.

Allele frequency attached by ClinVar (database versions not stated): 1000 Genomes Project 30x 0.33089; TOPMed 0.36020; gnomAD 0.36932 and 0.37391; 1000 Genomes Project 0.33387; gnomAD exomes 0.33744; ExAC 0.35517.
gnomAD v4.1: 596,630 of 1,550,218 alleles (38%); highest among the groups gnomAD compares: Non-Finnish European, 40%; 116,563 homozygotes.

Submissions (6):

Labcorp Genetics (formerly Invitae), Labcorp
Classification: Benign. Last evaluated: 2026-02-04. Review status: criteria provided, single submitter. Criteria: Invitae Variant Classification Sherloc (09022015). Collection method: clinical testing. Allele origin: germline.

Genome-Nilou Lab
Classification: Benign for Autosomal recessive nonsyndromic hearing loss 18B. Last evaluated: 2021-09-05. Review status: criteria provided, single submitter. Criteria: ACMG Guidelines, 2015. Collection method: clinical testing. Allele origin: germline. Affected: no.

Mayo Clinic Laboratories, Mayo Clinic
Classification: Benign. Last evaluated: 2020-10-02. Review status: criteria provided, single submitter. Criteria: ACMG Guidelines, 2015. Collection method: clinical testing. Allele origin: germline. Observed: 99 variant alleles.

GeneDx
Classification: Benign. Last evaluated: 2017-05-09. Review status: criteria provided, single submitter. Criteria: GeneDx Variant Classification (06012015). Collection method: clinical testing. Allele origin: germline. Affected: yes.
Comment: This variant is considered likely benign or benign based on one or more of the following criteria: it is a conservative change, it occurs at a poorly conserved position in the protein, it is predicted to be benign by multiple in silico algorithms, and/or has population frequency not consistent with disease.

Laboratory for Molecular Medicine, Mass General Brigham Personalized Medicine
Classification: Benign. Last evaluated: 2014-11-24. Review status: criteria provided, single submitter. Criteria: LMM Criteria. Collection method: clinical testing. Allele origin: germline. Observed: 575 variant alleles.
Comment: Pro792Pro in exon 19 of OTOG: This variant is not expected to have clinical sign ificance because it does not alter an amino acid residue and is not located with in the splice consensus sequence. It has been identified in 43.3% (77/178) of En glish and Scottish chromosomes from a broad population by the 1000 Genomes Proje ct (dbSNP rs4757548).

Breakthrough Genomics
Classification: Benign. Review status: criteria provided, single submitter. Criteria: ACMG Guidelines, 2015. Collection method: not provided. Allele origin: germline. Inheritance: Autosomal recessive inheritance. Affected: yes.

NM_001292063.2(OTOG):c.2340G>A (p.Pro780=)

Gene: OTOG (otogelin; plus strand). Cytogenetic location: 11p15.1.
Variant type: single nucleotide variant.
Coding change: c.2340G>A on transcript NM_001292063.2 (MANE Select); coding-DNA position 2340, G replaced by A.
Protein change: p.Pro780=; no amino-acid change (proline 780 retained).
Molecular consequence: synonymous variant.
Genome position (GRCh38, 1-based): chr11:17,574,766, G>A. VCF-style: chr11-17574766-G-A. GRCh37 (hg19) VCF-style: chr11-17596313-G-A.
Other names: p.Pro792=; c.2376G>A, p.Pro792= (NM_001277269.2).
Identifiers: ClinVar variation 226868 (VCV000226868.17), dbSNP rs4757548, ClinGen allele CA5905614.